The following is an entry in ClinVar:

ClinVar aggregate classification (germline): Pathogenic (1 of 4 stars; one submission).

Conditions:
Familial cancer of breast. Also called: BREAST CANCER, FAMILIAL; Hereditary breast cancer; hereditary breast carcinoma. Identifiers: Orphanet 227535, MedGen C0346153, MONDO:0016419, OMIM 114480. Disease mechanism: loss of function.

Submission:

Labcorp Genetics (formerly Invitae), Labcorp
Classification: Pathogenic for Familial cancer of breast. Last evaluated: 2019-11-13. Review status: criteria provided, single submitter. Criteria: Invitae Variant Classification Sherloc (09022015). Collection method: clinical testing. Allele origin: germline.
Comment: For these reasons, this variant has been classified as Pathogenic. Loss-of-function variants in BARD1 are known to be pathogenic (PMID: 20077502, 21344236). This variant has not been reported in the literature in individuals with BARD1-related conditions. This variant is an out-of-frame deletion of the genomic region encompassing exons 4-7 of the BARD1 gene. This is expected to create a premature translational stop signal and result in an absent or disrupted protein product.

Literature cited by the submitters: PubMed 20077502; PubMed 21344236.

NC_000002.12:g.(?_214752437)_(214781519_?)del

Gene: BARD1 (BRCA1 associated RING domain 1; minus strand). Cytogenetic location: 2q35.
Variant type: Deletion.
Identifiers: ClinVar variation 830925 (VCV000830925.4).